The following is an entry in ClinVar:

ClinVar aggregate classification (germline): Uncertain significance. Review status: criteria provided, multiple submitters, no conflicts (2 of 4 stars). 4 submissions from 4 submitters: Uncertain significance (3). 1 of the submissions does not count toward it. Last evaluated 2023-07-17.

Conditions:
Familial thoracic aortic aneurysm and aortic dissection (TAAD). Also called: Thoracic aortic aneurysms and dissections. Identifiers: Orphanet 91387, MedGen C4707243, MONDO:0019625.
Marfan syndrome (MFS). Also called: Marfan syndrome type 1; Marfan syndrome, classic; Marfan's syndrome; FBN1-Related Marfan Syndrome; MARFAN SYNDROME, TYPE I. Identifiers: Orphanet 284963, Orphanet 558, MedGen C0024796, MONDO:0007947, OMIM 154700.

Submissions (4):

Labcorp Genetics (formerly Invitae), Labcorp
Classification: Uncertain significance for Marfan syndrome; Familial thoracic aortic aneurysm and aortic dissection. Last evaluated: 2023-07-17. Review status: criteria provided, single submitter. Criteria: Invitae Variant Classification Sherloc (09022015). Collection method: clinical testing. Allele origin: germline.
Comment: This sequence change replaces histidine, which is basic and polar, with arginine, which is basic and polar, at codon 2685 of the FBN1 protein (p.His2685Arg). This variant is not present in population databases (gnomAD no frequency). This variant has not been reported in the literature in individuals affected with FBN1-related conditions. ClinVar contains an entry for this variant (Variation ID: 549452). An algorithm developed to predict the effect of missense changes on protein structure and function (PolyPhen-2) suggests that this variant is likely to be disruptive. In summary, the available evidence is currently insufficient to determine the role of this variant in disease. Therefore, it has been classified as a Variant of Uncertain Significance.

Women's Health and Genetics/Laboratory Corporation of America, LabCorp
Classification: Uncertain significance. Last evaluated: 2019-07-15. Review status: criteria provided, single submitter. Criteria: LabCorp Variant Classification Summary - May 2015. Collection method: clinical testing. Allele origin: germline.
Comment: Variant summary: FBN1 c.8054A>G (p.His2685Arg) results in a non-conservative amino acid change located in the EGF-like calcium-binding domain (IPR001881) of the encoded protein sequence. Five of five in-silico tools predict a damaging effect of the variant on protein function. The variant is located near an intron/exon border. 5/5 computational tools predict no significant impact on normal splicing. However, these predictions have yet to be confirmed by functional studies. The variant was absent in 251232 control chromosomes (gnomAD). To our knowledge, no occurrence of c.8054A>G in individuals affected with Marfan Syndrome and no experimental evidence demonstrating its impact on protein function have been reported. One submitter has provided clinical-significance assessments for this variant to ClinVar after 2014 without evidence for independent evaluation and classified the variant as likely pathogenic. Based on the evidence outlined above, the variant was classified as VUS.

Mayo Clinic Laboratories, Mayo Clinic
Classification: Uncertain significance. Last evaluated: 2019-07-14. Review status: criteria provided, single submitter. Criteria: ACMG Guidelines, 2015. Collection method: clinical testing. Allele origin: germline. Observed: 1 variant allele.

Center for Medical Genetics Ghent, University of Ghent
Classification: Likely pathogenic for Marfan syndrome. Last evaluated: 2017-11-07. Review status: no assertion criteria provided. Collection method: clinical testing. Allele origin: de novo. Affected: yes. Not counted in ClinVar's aggregate classification.

NM_000138.5(FBN1):c.8054A>G (p.His2685Arg)

Gene: FBN1 (fibrillin 1; minus strand). Cytogenetic location: 15q21.1.
Variant type: single nucleotide variant.
Coding change: c.8054A>G on transcript NM_000138.5 (MANE Select); coding-DNA position 8054, A replaced by G.
Protein change: p.His2685Arg; replaces histidine 2685 with arginine.
Molecular consequence: missense variant.
Genome position (GRCh38, 1-based): chr15:48,412,741, T>C on the plus strand (A>G on the coding strand, the complement: FBN1 is on the minus strand). VCF-style: chr15-48412741-T-C. GRCh37 (hg19) VCF-style: chr15-48704938-T-C.
Other names: short protein forms H2685R.
Identifiers: ClinVar variation 549452 (VCV000549452.10), dbSNP rs1555393666, ClinGen allele CA392321668.